The following is an entry in ClinVar:

NM_000038.6(APC):c.6405C>T (p.Ile2135=)

Gene: APC (APC regulator of Wnt signaling pathway; plus strand). Cytogenetic location: 5q22.2.
Variant type: single nucleotide variant.
Coding change: c.6405C>T on transcript NM_000038.6 (MANE Select); coding-DNA position 6405, C replaced by T.
Protein change: p.Ile2135=; no amino-acid change (isoleucine 2135 retained).
Molecular consequence: synonymous variant.
Genome position (GRCh38, 1-based): chr5:112,841,999, C>T. VCF-style: chr5-112841999-C-T. GRCh37 (hg19) VCF-style: chr5-112177696-C-T.
Other names: c.6405C>T, p.Ile2135= (NM_001127510.3, NM_001354895.2); c.6351C>T, p.Ile2117= (NM_001127511.3); c.6459C>T, p.Ile2153= (NM_001354896.2); c.6435C>T, p.Ile2145= (NM_001354897.2); c.6330C>T, p.Ile2110= (NM_001354898.2); c.6321C>T, p.Ile2107= (NM_001354899.2); c.6282C>T, p.Ile2094= (NM_001354900.2); c.6228C>T, p.Ile2076= (NM_001354901.2); and 5 more.
Identifiers: ClinVar variation 1097940 (VCV001097940.13), dbSNP rs2149964138, ClinGen allele CA446210425.

ClinVar aggregate classification (germline): Benign/Likely benign. Review status: criteria provided, multiple submitters, no conflicts (2 of 4 stars). 3 submissions from 3 submitters: Benign (1); Likely benign (2). Last evaluated 2024-04-04.

Conditions:
Familial adenomatous polyposis 1 (FAP1). Also called: POLYPOSIS, ADENOMATOUS INTESTINAL; FAMILIAL ADENOMATOUS POLYPOSIS 1, ATTENUATED. Identifiers: MedGen C2713442, MONDO:0021056, OMIM 175100. Disease mechanism: loss of function.
Hereditary cancer-predisposing syndrome. Also called: Tumor predisposition; Hereditary neoplastic syndrome; Hereditary Cancer Syndrome; Neoplastic Syndromes, Hereditary. Identifiers: Orphanet 140162, MedGen C0027672, MeSH D009386, MONDO:0015356.

gnomAD v4.1: 3 of 1,612,928 alleles (0.00019%); highest among the groups gnomAD compares: Middle Eastern, 0.017%; no homozygotes.

Submissions (3):

Myriad Genetics, Inc.
Classification: Benign for Familial adenomatous polyposis 1. Last evaluated: 2024-04-04. Review status: criteria provided, single submitter. Criteria: Myriad Autosomal Dominant, Autosomal Recessive and X-Linked Classification Criteria (2023). Collection method: clinical testing. Allele origin: unknown.
Comment: This variant is considered benign. This variant is a silent/synonymous amino acid change and it is not expected to impact splicing.

Labcorp Genetics (formerly Invitae), Labcorp
Classification: Likely benign for Familial adenomatous polyposis 1. Last evaluated: 2020-10-29. Review status: criteria provided, single submitter. Criteria: Invitae Variant Classification Sherloc (09022015). Collection method: clinical testing. Allele origin: germline.

Ambry Genetics
Classification: Likely benign for Hereditary cancer-predisposing syndrome. Last evaluated: 2019-07-11. Review status: criteria provided, single submitter. Criteria: Ambry Variant Classification Scheme 2023. Collection method: clinical testing. Allele origin: germline.